The following is an entry in ClinVar:

NM_206933.4(USH2A):c.5603_5613del (p.Phe1868fs)

Genes: USH2A (usherin; minus strand), USH2A-AS2 (USH2A antisense RNA 2; plus strand). Cytogenetic location: 1q41.
Variant type: Deletion.
Coding change: c.5603_5613del on transcript NM_206933.4 (MANE Select); coding-DNA positions 5603 to 5613, 11 bases deleted (TTACACGGGGT).
Protein change: p.Phe1868fs; shifts the reading frame from phenylalanine 1868.
Molecular consequence: frameshift variant.
Genome position (GRCh38, 1-based): chr1:216,073,260-216,073,270, ACCCCGTGTAA deleted on the plus strand (TTACACGGGGT on the coding strand, the reverse complement: USH2A is on the minus strand); deleting any 11 consecutive bases within chr1:216,073,260-216,073,271 gives the same sequence; the c. name uses the placement nearest the transcript's 3' end. VCF-style (leftmost placement, unchanged base first): chr1-216073259-CACCCCGTGTAA-C. GRCh37 (hg19) VCF-style: chr1-216246601-CACCCCGTGTAA-C.
Other names: c.5603_5613del (NM_206933.2); short protein forms F1868fs.
Identifiers: ClinVar variation 2434456 (VCV002434456.5), dbSNP rs2527778442, ClinGen allele CA2580062110.

ClinVar aggregate classification (germline): Pathogenic/Likely pathogenic. Review status: criteria provided, multiple submitters, no conflicts (2 of 4 stars). 3 submissions from 3 submitters: Pathogenic (1); Likely pathogenic (2). Last evaluated 2025-09-28.

Conditions:
Usher syndrome type 2A. Also called: USHER SYNDROME, TYPE IIA; RETINAL DISEASE IN USHER SYNDROME TYPE IIA, MODIFIER OF. Identifiers: Orphanet 231178, Orphanet 886, MedGen C1848634, MONDO:0010169, OMIM 276901.
Retinitis pigmentosa 39 (RP39). Identifiers: Orphanet 791, MedGen C3151138, MONDO:0013436, OMIM 613809.

Submissions (3):

Natera, Inc.
Classification: Likely pathogenic for Usher syndrome type 2A. Last evaluated: 2025-09-28. Review status: criteria provided, single submitter. Criteria: Natera Variant Classification Schema (03/2026). Collection method: clinical testing. Allele origin: germline.
Comment: The c.5603_5613del variant in USH2A is a frameshift variant predicted to shift the reading frame beginning at codon 1868 and leads to a stop codon 4 codons downstream. This variant is expected to result in nonsense mediated decay, truncation, or a dysfunctional protein product. This variant is rare in the general population with a frequency below the threshold expected for the associated phenotype(s). Given the available evidence, this variant is classified as Likely Pathogenic.

Baylor Genetics
Classification: Pathogenic for Retinitis pigmentosa 39. Last evaluated: 2023-07-14. Review status: criteria provided, single submitter. Criteria: ACMG Guidelines, 2015. Collection method: clinical testing. Allele origin: unknown.

Revvity Omics, Revvity
Classification: Likely pathogenic. Last evaluated: 2021-12-20. Review status: criteria provided, single submitter. Criteria: ACMG Guidelines, 2015. Collection method: clinical testing. Allele origin: germline.